The following is an entry in ClinVar:

NM_000264.5(PTCH1):c.3758A>G (p.Gln1253Arg)

Gene: PTCH1 (patched 1; minus strand). Cytogenetic location: 9q22.32.
Variant type: single nucleotide variant.
Coding change: c.3758A>G on transcript NM_000264.5 (MANE Select); coding-DNA position 3758, A replaced by G.
Protein change: p.Gln1253Arg; replaces glutamine 1253 with arginine.
Molecular consequence: missense variant. On other transcripts: non-coding transcript variant (1).
Genome position (GRCh38, 1-based): chr9:95,449,115, T>C on the plus strand (A>G on the coding strand, the complement: PTCH1 is on the minus strand). VCF-style: chr9-95449115-T-C. GRCh37 (hg19) VCF-style: chr9-98211397-T-C.
Other names: c.3560A>G, p.Gln1187Arg (NM_001083602.3); c.3755A>G, p.Gln1252Arg (NM_001083603.3); c.3305A>G, p.Gln1102Arg (NM_001083604.3, NM_001083605.3, NM_001083606.3 and 1 more transcripts); c.3602A>G, p.Gln1201Arg (NM_001354918.2); c.3758A>G (NM_000264.4); short protein forms Q1187R, Q1252R, Q1201R, Q1253R, Q1102R.
Identifiers: ClinVar variation 654953 (VCV000654953.18), dbSNP rs146390067, ClinGen allele CA5138069.

ClinVar aggregate classification (germline): Conflicting classifications of pathogenicity. Review status: criteria provided, conflicting classifications (1 of 4 stars). 4 submissions from 4 submitters: Uncertain significance (2); Benign (1); Likely benign (1). Last evaluated 2026-09-17.

Conditions:
Hereditary cancer-predisposing syndrome. Also called: Neoplastic Syndromes, Hereditary; Hereditary Cancer Syndrome; Hereditary neoplastic syndrome; Tumor predisposition. Identifiers: Orphanet 140162, MedGen C0027672, MeSH D009386, MONDO:0015356.
Gorlin syndrome. Also called: Nevoid Basal Cell Carcinoma Syndrome; Basal cell nevus syndrome. Identifiers: Orphanet 377, MedGen C0004779, MONDO:0007187.
PTCH1-related disorder. Also called: PTCH1-related disorders; PTCH1-related condition.

Allele frequency attached by ClinVar (database versions not stated): TOPMed 0.00002; ExAC 0.00003; gnomAD 0.00003; ESP Exome Variant Server 0.00015.
gnomAD v4.1: 14 of 1,614,076 alleles (0.00087%); highest among the groups gnomAD compares: Middle Eastern, 0.016%; no homozygotes.

Submissions (4):

PreventionGenetics, part of Exact Sciences
Classification: Uncertain significance for PTCH1-related condition. Last evaluated: 2026-09-17. Review status: criteria provided, single submitter. Criteria: ACMG Guidelines, 2015. Collection method: clinical testing. Allele origin: germline.
Comment: The PTCH1 c.3758A>G variant is predicted to result in the amino acid substitution p.Gln1253Arg. To our knowledge, this variant has not been reported in the literature. This variant is reported in 0.020% of alleles in individuals of African descent in gnomAD and has conflicting interpretations in ClinVar ranging from likely benign to uncertain (Variation ID: 654953). Although we suspect that this variant may be benign, at this time, the clinical significance of this variant is uncertain due to the absence of conclusive functional and genetic evidence.

Ambry Genetics
Classification: Likely benign for Hereditary cancer-predisposing syndrome. Last evaluated: 2026-08-04. Review status: criteria provided, single submitter. Criteria: Ambry Variant Classification Scheme 2023. Collection method: clinical testing. Allele origin: germline.

Labcorp Genetics (formerly Invitae), Labcorp
Classification: Benign for Gorlin syndrome. Last evaluated: 2026-02-04. Review status: criteria provided, single submitter. Criteria: Invitae Variant Classification Sherloc (09022015). Collection method: clinical testing. Allele origin: germline.

Quest Diagnostics Nichols Institute San Juan Capistrano
Classification: Uncertain significance. Last evaluated: 2024-05-07. Review status: criteria provided, single submitter. Criteria: Quest Diagnostics criteria. Collection method: clinical testing. Allele origin: unknown.
Comment: The PTCH1 c.3758A>G (p.Gln1253Arg) variant has not been reported in individuals with PTCH1-related conditions in the published literature. The frequency of this variant in the general population, 0.0002 (5/24938 chromosomes in African/African American subpopulation (Genome Aggregation Database)), is higher than would generally be expected for pathogenic variants in this gene. Analysis of this variant using bioinformatics tools for the prediction of the effect of amino acid changes on protein structure and function yielded predictions that this variant is benign. Based on the available information, we are unable to determine the clinical significance of this variant.